The following is an entry in ClinVar:

ClinVar aggregate classification (germline): Uncertain significance. Review status: criteria provided, single submitter (1 of 4 stars). 2 submissions from 2 submitters: Uncertain significance (1). 1 of the submissions does not count toward it. Last evaluated 2022-01-16.

Conditions:
POC1B-related disorder. Also called: POC1B-related condition.

Allele frequency attached by ClinVar (database versions not stated): gnomAD exomes 0.00001; TOPMed 0.00001; ExAC 0.00002; gnomAD 0.00002 and 0.00003; ESP Exome Variant Server 0.00008.
gnomAD v4.1: 15 of 1,600,814 alleles (0.00094%); highest among the groups gnomAD compares: Middle Eastern, 0.017%; no homozygotes.

Submissions (2):

Labcorp Genetics (formerly Invitae), Labcorp
Classification: Uncertain significance. Last evaluated: 2022-01-16. Review status: criteria provided, single submitter. Criteria: Invitae Variant Classification Sherloc (09022015). Collection method: clinical testing. Allele origin: germline.
Comment: This sequence change replaces leucine, which is neutral and non-polar, with proline, which is neutral and non-polar, at codon 470 of the POC1B protein (p.Leu470Pro). This variant is present in population databases (rs371878470, gnomAD 0.002%). In summary, the available evidence is currently insufficient to determine the role of this variant in disease. Therefore, it has been classified as a Variant of Uncertain Significance. Algorithms developed to predict the effect of missense changes on protein structure and function are either unavailable or do not agree on the potential impact of this missense change (SIFT: "Deleterious"; PolyPhen-2: "Possibly Damaging"; Align-GVGD: "Class C0"). This variant has not been reported in the literature in individuals affected with POC1B-related conditions.

PreventionGenetics, part of Exact Sciences
Classification: Uncertain significance for POC1B-related condition. Last evaluated: 2024-08-24. Review status: no assertion criteria provided. Collection method: clinical testing. Allele origin: germline. Not counted in ClinVar's aggregate classification.
Comment: The POC1B c.1409T>C variant is predicted to result in the amino acid substitution p.Leu470Pro. To our knowledge, this variant has not been reported in the literature. This variant is reported in 0.0024% of alleles in individuals of European (Non-Finnish) descent in gnomAD. At this time, the clinical significance of this variant is uncertain due to the absence of conclusive functional and genetic evidence.

NM_172240.3(POC1B):c.1409T>C (p.Leu470Pro)

Genes: POC1B (POC1 centriolar protein B; minus strand), POC1B-DUSP6 (POC1B-DUSP6 readthrough; minus strand). Cytogenetic location: 12q21.33.
Variant type: single nucleotide variant.
Coding change: c.1409T>C on transcript NM_172240.3 (MANE Select); coding-DNA position 1409, T replaced by C.
Protein change: p.Leu470Pro; replaces leucine 470 with proline.
Molecular consequence: missense variant. On other transcripts: non-coding transcript variant (2).
Genome position (GRCh38, 1-based): chr12:89,421,181, A>G on the plus strand (T>C on the coding strand, the complement: POC1B is on the minus strand). VCF-style: chr12-89421181-A-G. GRCh37 (hg19) VCF-style: chr12-89814958-A-G.
Other names: c.1409T>C (NM_172240.2); c.1283T>C, p.Leu428Pro (NM_001199777.2); short protein forms L470P, L428P.
Identifiers: ClinVar variation 1448138 (VCV001448138.9), dbSNP rs371878470, ClinGen allele CA6714174.